The following is an entry in ClinVar:

NM_005762.3(TRIM28):c.2184C>T (p.Thr728=)

Gene: TRIM28 (tripartite motif containing 28; plus strand). Cytogenetic location: 19q13.43.
Variant type: single nucleotide variant.
Coding change: c.2184C>T on transcript NM_005762.3 (MANE Select); coding-DNA position 2184, C replaced by T.
Protein change: p.Thr728=; no amino-acid change (threonine 728 retained).
Molecular consequence: synonymous variant.
Genome position (GRCh38, 1-based): chr19:58,550,026, C>T. VCF-style: chr19-58550026-C-T. GRCh37 (hg19) VCF-style: chr19-59061393-C-T.
Identifiers: ClinVar variation 3051944 (VCV003051944.4), dbSNP rs35271350, ClinGen allele CA9719511.

ClinVar aggregate classification (germline): Benign. Review status: criteria provided, single submitter (1 of 4 stars). 2 submissions from 2 submitters: Benign (1). 1 of the submissions does not count toward it. Last evaluated 2026-01-08.

Conditions:
TRIM28-related disorder. Also called: TRIM28-related condition.

Allele frequency attached by ClinVar (database versions not stated): ExAC 0.00047; 1000 Genomes Project 0.00160; ESP Exome Variant Server 0.00215; gnomAD 0.00135; 1000 Genomes Project 30x 0.00156.
gnomAD v4.1: 443 of 1,614,092 alleles (0.027%); highest among the groups gnomAD compares: African/African-American, 0.5%; 1 homozygote.

Submissions (2):

Labcorp Genetics (formerly Invitae), Labcorp
Classification: Benign. Last evaluated: 2026-01-08. Review status: criteria provided, single submitter. Criteria: Invitae Variant Classification Sherloc (09022015). Collection method: clinical testing. Allele origin: germline.

PreventionGenetics, part of Exact Sciences
Classification: Likely benign for TRIM28-related condition. Last evaluated: 2020-01-06. Review status: no assertion criteria provided. Collection method: clinical testing. Allele origin: germline. Not counted in ClinVar's aggregate classification.
Comment: This variant is classified as likely benign based on ACMG/AMP sequence variant interpretation guidelines (Richards et al. 2015 PMID: 25741868, with internal and published modifications).